The following is an entry in ClinVar:

ClinVar aggregate classification (germline): Uncertain significance (1 of 4 stars; one submission).

Conditions:
Neuropathy, hereditary sensory and autonomic, type 2A (HSAN2A). Also called: MORVAN DISEASE; NEUROPATHY, CONGENITAL SENSORY; NEUROPATHY, HEREDITARY SENSORY RADICULAR, AUTOSOMAL RECESSIVE; NEUROPATHY, HEREDITARY SENSORY, TYPE IIA; NEUROPATHY, PROGRESSIVE SENSORY, OF CHILDREN; ACROOSTEOLYSIS, GIACCAI TYPE. Identifiers: Orphanet 970, MedGen C2752089, MONDO:0024309, OMIM 201300.
Generalized epilepsy with febrile seizures plus, type 7 (GEFSP7). Also called: GEFS+, TYPE 7. Identifiers: Orphanet 36387, MedGen C2751778, MONDO:0013470, OMIM 613863.

Submission:

Labcorp Genetics (formerly Invitae), Labcorp
Classification: Uncertain significance for Neuropathy, hereditary sensory and autonomic, type 2A; Generalized epilepsy with febrile seizures plus, type 7. Last evaluated: 2024-07-17. Review status: criteria provided, single submitter. Criteria: Invitae Variant Classification Sherloc (09022015). Collection method: clinical testing. Allele origin: germline.
Comment: This sequence change replaces alanine, which is neutral and non-polar, with valine, which is neutral and non-polar, at codon 1833 of the SCN9A protein (p.Ala1833Val). This variant is not present in population databases (gnomAD no frequency). This variant has not been reported in the literature in individuals affected with SCN9A-related conditions. Advanced modeling of protein sequence and biophysical properties (such as structural, functional, and spatial information, amino acid conservation, physicochemical variation, residue mobility, and thermodynamic stability) has been performed at Invitae for this missense variant, however the output from this modeling did not meet the statistical confidence thresholds required to predict the impact of this variant on SCN9A protein function. In summary, the available evidence is currently insufficient to determine the role of this variant in disease. Therefore, it has been classified as a Variant of Uncertain Significance.

NM_001365536.1(SCN9A):c.5531C>T (p.Ala1844Val)

Genes: SCN9A (sodium voltage-gated channel alpha subunit 9; minus strand), SCN1A-AS1 (SCN1A and SCN9A antisense RNA 1; plus strand). Cytogenetic location: 2q24.3.
Variant type: single nucleotide variant.
Coding change: c.5531C>T on transcript NM_001365536.1 (MANE Select); coding-DNA position 5531, C replaced by T.
Protein change: p.Ala1844Val; replaces alanine 1844 with valine.
Molecular consequence: missense variant.
Genome position (GRCh38, 1-based): chr2:166,199,108, G>A on the plus strand (C>T on the coding strand, the complement: SCN9A is on the minus strand). VCF-style: chr2-166199108-G-A. GRCh37 (hg19) VCF-style: chr2-167055618-G-A.
Other names: c.5498C>T, p.Ala1833Val (NM_002977.4); short protein forms A1833V, A1844V.
Identifiers: ClinVar variation 3757283 (VCV003757283.2).
Genomic context (GRCh38, chr2:166,199,108, plus strand): 5'-TCCATCTGTGAACGAAGAGAATCCATCTCCCCACTCTCACCCAAAACACGCTTTGTAAAA[G>A]CAAATAAGATGTCAAGACAATGGATCCGGTCACCACTAACCATGGGCAGATCCATGGCAA-3'
Protein context (NP_001352465.1, residues 1834-1854): DRIHCLDILF[Ala1844Val]FTKRVLGESG